The following is an entry in ClinVar:

NM_001040108.2(MLH3):c.3236C>T (p.Thr1079Ile)

Gene: MLH3 (mutL homolog 3; minus strand). Cytogenetic location: 14q24.3.
Variant type: single nucleotide variant.
Coding change: c.3236C>T on transcript NM_001040108.2 (MANE Select); coding-DNA position 3236, C replaced by T.
Protein change: p.Thr1079Ile; replaces threonine 1079 with isoleucine.
Molecular consequence: missense variant.
Genome position (GRCh38, 1-based): chr14:75,046,420, G>A on the plus strand (C>T on the coding strand, the complement: MLH3 is on the minus strand). VCF-style: chr14-75046420-G-A. GRCh37 (hg19) VCF-style: chr14-75513123-G-A.
Other names: c.3236C>T, p.Thr1079Ile (NM_014381.3); short protein forms T1079I.
Identifiers: ClinVar variation 3873492 (VCV003873492.1).

ClinVar aggregate classification (germline): Uncertain significance (1 of 4 stars; one submission).

Submission:

Ambry Genetics
Classification: Uncertain significance. Last evaluated: 2025-01-09. Review status: criteria provided, single submitter. Criteria: Ambry Variant Classification Scheme 2023. Collection method: clinical testing. Allele origin: germline.
Comment: The p.T1079I variant (also known as c.3236C>T), located in coding exon 1 of the MLH3 gene, results from a C to T substitution at nucleotide position 3236. The threonine at codon 1079 is replaced by isoleucine, an amino acid with similar properties. This amino acid position is conserved. In addition, the in silico prediction for this alteration is inconclusive. Based on the available evidence, the clinical significance of this variant remains unclear.